The following is an entry in ClinVar:

NM_000368.5(TSC1):c.508+3A>G

Gene: TSC1 (TSC complex subunit 1; minus strand). Cytogenetic location: 9q34.13.
Variant type: single nucleotide variant.
Coding change: c.508+3A>G on transcript NM_000368.5 (MANE Select); 3 bases into the intron after coding-DNA position 508, A replaced by G.
Molecular consequence: intron variant.
Genome position (GRCh38, 1-based): chr9:132,923,345, T>C on the plus strand (A>G on the coding strand, the complement: TSC1 is on the minus strand). VCF-style: chr9-132923345-T-C. GRCh37 (hg19) VCF-style: chr9-135798732-T-C.
Other names: c.145+3A>G (NM_001362177.2); c.355+3A>G (NM_001162427.2); c.508+3A>G (NM_001162426.2).
Identifiers: ClinVar variation 546141 (VCV000546141.2), dbSNP rs1554819862, ClinGen allele CA658822163.
Genomic context (GRCh38, chr9:132,923,345, plus strand): 5'-AATTAATCAATAATGAAAGCATTCACCTCACAGGGCCCAACAGGTATATGAGGAGATCTG[T>C]ACCTGGTTTCTTCAGGCACCATGATGACAGACGGCCAAAAATGTCAAAGAAATCAAGAAG-3'

ClinVar aggregate classification (germline): Uncertain significance (1 of 4 stars; one submission).

Submission:

GeneDx
Classification: Uncertain significance. Last evaluated: 2018-05-30. Review status: criteria provided, single submitter. Criteria: GeneDx Variant Classification (06012015). Collection method: clinical testing. Allele origin: germline. Affected: yes.
Comment: The c.508+3A>G variant has not been published as a pathogenic variant, nor has it been reported as a benign variant to our knowledge. The c.508+3A>G variant is not observed in large population cohorts (Lek et al., 2016). Several in silico splice prediction models predict that c.508+3A>G damages the natural splice donor site which may lead to abnormal gene splicing. However, in the absence of RNA/functional studies, the actual effect of this sequence change in this individual is unknown. Therefore, based on the currently available information, it is unclear whether this variant is a pathogenic variant or a rare benign variant.